The following is an entry in ClinVar:

NM_014425.5(INVS):c.2485C>T (p.Arg829Cys)

Gene: INVS (inversin; plus strand). Cytogenetic location: 9q31.1.
Variant type: single nucleotide variant.
Coding change: c.2485C>T on transcript NM_014425.5 (MANE Select); coding-DNA position 2485, C replaced by T.
Protein change: p.Arg829Cys; replaces arginine 829 with cysteine.
Molecular consequence: missense variant. On other transcripts: non-coding transcript variant (1).
Genome position (GRCh38, 1-based): chr9:100,292,742, C>T. VCF-style: chr9-100292742-C-T. GRCh37 (hg19) VCF-style: chr9-103055024-C-T.
Other names: c.2197C>T, p.Arg733Cys (NM_001318381.2); c.1507C>T, p.Arg503Cys (NM_001318382.2); c.2485C>T (NM_014425.2); short protein forms R829C, R733C, R503C.
Identifiers: ClinVar variation 593696 (VCV000593696.9), dbSNP rs780527510, ClinGen allele CA5158643.

ClinVar aggregate classification (germline): Uncertain significance. Review status: criteria provided, multiple submitters, no conflicts (2 of 4 stars). 4 submissions from 4 submitters: Uncertain significance (4). Last evaluated 2024-07-02.

Conditions:
Inborn genetic diseases. Identifiers: MedGen C0950123, MeSH D030342.
Infantile nephronophthisis (NPHP2). Also called: Nephronophthisis 2; Nephronophthisis 2, infantile. Identifiers: Orphanet 655, Orphanet 93591, MedGen C1865872, MONDO:0011190, OMIM 602088.
Nephronophthisis. Also called: Juvenile Nephronophthisis. Identifiers: Orphanet 655, MedGen C0687120, MONDO:0019005, HP:0000090.

Allele frequency attached by ClinVar (database versions not stated): ExAC 0.00001; gnomAD 0.00001; gnomAD exomes 0.00001; TOPMed 0.00001.
gnomAD v4.1: 15 of 1,614,080 alleles (0.00093%); highest among the groups gnomAD compares: East Asian, 0.0022%; no homozygotes.

Submissions (4):

Ambry Genetics
Classification: Uncertain significance for Inborn genetic diseases. Last evaluated: 2024-07-02. Review status: criteria provided, single submitter. Criteria: Ambry Variant Classification Scheme 2023. Collection method: clinical testing. Allele origin: germline.

Labcorp Genetics (formerly Invitae), Labcorp
Classification: Uncertain significance for Nephronophthisis. Last evaluated: 2022-10-25. Review status: criteria provided, single submitter. Criteria: Invitae Variant Classification Sherloc (09022015). Collection method: clinical testing. Allele origin: germline.
Comment: This sequence change replaces arginine, which is basic and polar, with cysteine, which is neutral and slightly polar, at codon 829 of the INVS protein (p.Arg829Cys). This variant is present in population databases (rs780527510, gnomAD 0.006%). This variant has not been reported in the literature in individuals affected with INVS-related conditions. ClinVar contains an entry for this variant (Variation ID: 593696). Algorithms developed to predict the effect of missense changes on protein structure and function (SIFT, PolyPhen-2, Align-GVGD) all suggest that this variant is likely to be tolerated. In summary, the available evidence is currently insufficient to determine the role of this variant in disease. Therefore, it has been classified as a Variant of Uncertain Significance.

Fulgent Genetics
Classification: Uncertain significance for Infantile nephronophthisis. Last evaluated: 2021-12-29. Review status: criteria provided, single submitter. Criteria: ACMG Guidelines, 2015. Collection method: clinical testing. Allele origin: unknown.

Eurofins Ntd Llc (ga)
Classification: Uncertain significance. Last evaluated: 2017-08-16. Review status: criteria provided, single submitter. Criteria: EGL Classification Definitions 2015. Collection method: clinical testing. Allele origin: germline. Observed: 1 variant allele, 1 heterozygote.